The following is an entry in ClinVar:

ClinVar aggregate classification (germline): Likely benign. Review status: criteria provided, multiple submitters, no conflicts (2 of 4 stars). 3 submissions from 3 submitters: Likely benign (2). 1 of the submissions does not count toward it. Last evaluated 2026-09-01.

Conditions:
UBE3C-related disorder. Also called: UBE3C-related condition.

Allele frequency attached by ClinVar (database versions not stated): 1000 Genomes Project 0.00140; 1000 Genomes Project 30x 0.00156; ExAC 0.00223; ESP Exome Variant Server 0.00277.
gnomAD v4.1: 5,046 of 1,612,826 alleles (0.31%); highest among the groups gnomAD compares: Admixed American, 0.39%; 15 homozygotes.

Submissions (3):

CeGaT Center for Human Genetics Tuebingen
Classification: Likely benign. Last evaluated: 2026-09-01. Review status: criteria provided, single submitter. Criteria: CeGaT Center For Human Genetics Tuebingen Variant Classification Criteria Version 2. Collection method: clinical testing. Allele origin: germline. Affected: yes. Observed: 6 variant alleles.
Comment: UBE3C: BP4, BP7, BS2

Blueprint Genetics
Classification: Likely benign. Last evaluated: 2024-11-22. Review status: criteria provided, single submitter. Criteria: ACMG Guidelines, 2015. Collection method: clinical testing. Allele origin: germline.

PreventionGenetics, part of Exact Sciences
Classification: Likely benign for UBE3C-related condition. Last evaluated: 2019-03-04. Review status: no assertion criteria provided. Collection method: clinical testing. Allele origin: germline. Not counted in ClinVar's aggregate classification.
Comment: This variant is classified as likely benign based on ACMG/AMP sequence variant interpretation guidelines (Richards et al. 2015 PMID: 25741868, with internal and published modifications).

NM_014671.3(UBE3C):c.2754G>A (p.Ala918=)

Gene: UBE3C (ubiquitin protein ligase E3C; plus strand). Cytogenetic location: 7q36.3.
Variant type: single nucleotide variant.
Coding change: c.2754G>A on transcript NM_014671.3 (MANE Select); coding-DNA position 2754, G replaced by A.
Protein change: p.Ala918=; no amino-acid change (alanine 918 retained).
Molecular consequence: synonymous variant.
Genome position (GRCh38, 1-based): chr7:157,254,013, G>A. VCF-style: chr7-157254013-G-A. GRCh37 (hg19) VCF-style: chr7-157046707-G-A.
Identifiers: ClinVar variation 3052800 (VCV003052800.10), dbSNP rs150266636, ClinGen allele CA4590185.